The following is an entry in ClinVar:

NM_000110.4(DPYD):c.1977_1983del

Gene: DPYD (dihydropyrimidine dehydrogenase; minus strand). Cytogenetic location: 1p21.3.
Variant type: Deletion.
Coding change: c.1977_1983del on transcript NM_000110.4 (MANE Select); coding-DNA positions 1977 to 1983, 7 bases deleted (TTCTGGA; older notation c.1977_1983delTTCTGGA).
Molecular consequence: splice acceptor variant.
Genome position (GRCh38, 1-based): chr1:97,373,636-97,373,642, TCCAGAA deleted on the plus strand (TTCTGGA on the coding strand, the reverse complement: DPYD is on the minus strand); deleting any 7 consecutive bases within chr1:97,373,636-97,373,645 gives the same sequence; the c. name uses the placement nearest the transcript's 3' end. VCF-style (leftmost placement, unchanged base first): chr1-97373635-CTCCAGAA-C. GRCh37 (hg19) VCF-style: chr1-97839191-CTCCAGAA-C.
Other names: c.1977_1983delTTCTGGA (NM_000110.4).
Identifiers: ClinVar variation 813354 (VCV000813354.43), dbSNP rs1440380546, ClinGen allele CA524781879.

ClinVar aggregate classification (germline): Likely pathogenic. Review status: criteria provided, multiple submitters, no conflicts (2 of 4 stars). 3 submissions from 3 submitters: Likely pathogenic (3). Last evaluated 2026-03-13.

Conditions:
Dihydropyrimidine dehydrogenase deficiency (DPYDD). Also called: Hereditary Thymine-Uraciluria; DPD DEFICIENCY; DPYD DEFICIENCY. Identifiers: Orphanet 1675, MedGen C1959620, MONDO:0010130, OMIM 274270.

Submissions (3):

Women's Health and Genetics/Laboratory Corporation of America, LabCorp
Classification: Likely pathogenic for Dihydropyrimidine dehydrogenase deficiency. Last evaluated: 2026-03-13. Review status: criteria provided, single submitter. Criteria: LabCorp Variant Classification Summary - May 2015. Collection method: clinical testing. Allele origin: germline.
Comment: Variant summary: DPYD c.1977_1983delTTCTGGA (p.Asp659GlufsX7) results in a premature termination codon, predicted to cause a truncation of the encoded protein or absence of the protein due to nonsense mediated decay, which are commonly known mechanisms for disease. The variant allele was found at a frequency of 1.2e-05 in 250940 control chromosomes (gnomAD). To our knowledge, no occurrence of c.1977_1983delTTCTGGA in individuals affected with DPYD-related conditions and no experimental evidence demonstrating its impact on protein function have been reported. ClinVar contains an entry for this variant (Variation ID: 813354). Based on the evidence outlined above, the variant was classified as likely pathogenic.

Baylor Genetics
Classification: Likely pathogenic for Dihydropyrimidine dehydrogenase deficiency. Last evaluated: 2023-11-30. Review status: criteria provided, single submitter. Criteria: ACMG Guidelines, 2015. Collection method: clinical testing. Allele origin: unknown.

Genome-Nilou Lab
Classification: Likely pathogenic for Dihydropyrimidine dehydrogenase deficiency. Last evaluated: 2023-04-11. Review status: criteria provided, single submitter. Criteria: ACMG Guidelines, 2015. Collection method: clinical testing. Allele origin: germline. Affected: no.